The following is an entry in ClinVar:

ClinVar aggregate classification (germline): Likely pathogenic (1 of 4 stars; one submission).

Conditions:
Microcephaly 1, primary, autosomal recessive (MCPH1). Also called: PREMATURE CHROMOSOME CONDENSATION SYNDROME; PCC SYNDROME; PREMATURE CHROMOSOME CONDENSATION WITH MICROCEPHALY AND MENTAL RETARDATION. Identifiers: Orphanet 2512, MedGen C1855081, MONDO:0009617, OMIM 251200.

gnomAD v4.1: 1 of 1,614,194 alleles (0.000062%); highest among the groups gnomAD compares: African/African-American, 0.0013%; no homozygotes.

Submission:

Myriad Genetics, Inc.
Classification: Likely pathogenic for Microcephaly 1, primary, autosomal recessive. Last evaluated: 2025-10-23. Review status: criteria provided, single submitter. Criteria: Myriad Autosomal Dominant, Autosomal Recessive and X-Linked Classification Criteria (2023). Collection method: clinical testing. Allele origin: unknown.
Comment: NM_024596.3(MCPH1):c.1277C>A(S426*) is a nonsense variant classified as pathogenic in the context of primary microcephaly, MCPH1-related. S426* has not been observed in cases with relevant disease. Relevant functional assessments of this variant are not available in the literature. S426* has not been observed in referenced population frequency databases. In summary, NM_024596.3(MCPH1):c.1277C>A(S426*) is a nonsense variant in a gene where loss of function is a known mechanism of disease and is predicted to disrupt protein function. Please note: this variant was assessed in the context of healthy population screening.

NM_024596.5(MCPH1):c.1277C>A (p.Ser426Ter)

Gene: MCPH1 (microcephalin 1; plus strand). Cytogenetic location: 8p23.1.
Variant type: single nucleotide variant.
Coding change: c.1277C>A on transcript NM_024596.5 (MANE Select); coding-DNA position 1277, C replaced by A.
Protein change: p.Ser426Ter; replaces serine 426 with a stop codon.
Molecular consequence: nonsense. On other transcripts: non-coding transcript variant (1).
Genome position (GRCh38, 1-based): chr8:6,444,999, C>A. VCF-style: chr8-6444999-C-A. GRCh37 (hg19) VCF-style: chr8-6302520-C-A.
Other names: c.1277C>A, p.Ser426Ter (NM_001172574.2, NM_001322042.2, NM_001363979.1 and 3 more transcripts); c.1133C>A, p.Ser378Ter (NM_001172575.2); c.1271C>A, p.Ser424Ter (NM_001322043.2); c.1175C>A, p.Ser392Ter (NM_001322045.2); short protein forms S426*, S378*, S424*, S392*.
Identifiers: ClinVar variation 5003949 (VCV005003949.1).